The following is an entry in ClinVar:

ClinVar aggregate classification (germline): Uncertain significance (1 of 4 stars; one submission).

Submission:

Ambry Genetics
Classification: Uncertain significance. Last evaluated: 2025-08-19. Review status: criteria provided, single submitter. Criteria: Ambry Variant Classification Scheme 2023. Collection method: clinical testing. Allele origin: germline.
Comment: The p.V137G variant (also known as c.410T>G), located in coding exon 3 of the RNF43 gene, results from a T to G substitution at nucleotide position 410. The valine at codon 137 is replaced by glycine, an amino acid with dissimilar properties. This amino acid position is conserved. In addition, the in silico prediction for this alteration is inconclusive. Based on the available evidence, the clinical significance of this variant remains unclear.

NM_017763.6(RNF43):c.410T>G (p.Val137Gly)

Gene: RNF43 (ring finger protein 43; minus strand). Cytogenetic location: 17q22.
Variant type: single nucleotide variant.
Coding change: c.410T>G on transcript NM_017763.6 (MANE Select); coding-DNA position 410, T replaced by G.
Protein change: p.Val137Gly; replaces valine 137 with glycine.
Molecular consequence: missense variant.
Genome position (GRCh38, 1-based): chr17:58,363,566, A>C on the plus strand (T>G on the coding strand, the complement: RNF43 is on the minus strand). VCF-style: chr17-58363566-A-C. GRCh37 (hg19) VCF-style: chr17-56440927-A-C.
Other names: c.410T>G, p.Val137Gly (NM_001305544.3, NM_001438820.1, NM_001438821.1 and 1 more transcripts); c.29T>G, p.Val10Gly (NM_001305545.2, NM_001437987.1); short protein forms V10G, V137G.
Identifiers: ClinVar variation 4155786 (VCV004155786.1).